The following is an entry in ClinVar:

NM_005732.4(RAD50):c.1967G>A (p.Arg656Gln)

Gene: RAD50 (RAD50 double strand break repair protein; plus strand). Cytogenetic location: 5q31.1.
Variant type: single nucleotide variant.
Coding change: c.1967G>A on transcript NM_005732.4 (MANE Select); coding-DNA position 1967, G replaced by A.
Protein change: p.Arg656Gln; replaces arginine 656 with glutamine.
Molecular consequence: missense variant.
Genome position (GRCh38, 1-based): chr5:132,595,042, G>A. VCF-style: chr5-132595042-G-A. GRCh37 (hg19) VCF-style: chr5-131930734-G-A.
Other names: short protein forms R656Q.
Identifiers: ClinVar variation 186977 (VCV000186977.14), dbSNP rs786203372, ClinGen allele CA196387.

ClinVar aggregate classification (germline): Uncertain significance. Review status: criteria provided, multiple submitters, no conflicts (2 of 4 stars). 2 submissions from 2 submitters: Uncertain significance (2). Last evaluated 2024-06-04.

Conditions:
Hereditary cancer-predisposing syndrome. Also called: Neoplastic Syndromes, Hereditary; Tumor predisposition; Hereditary Cancer Syndrome; Hereditary neoplastic syndrome. Identifiers: Orphanet 140162, MedGen C0027672, MeSH D009386, MONDO:0015356.

Allele frequency attached by ClinVar (database versions not stated): gnomAD exomes 0.00001; TOPMed 0.00001.

Submissions (2):

Labcorp Genetics (formerly Invitae), Labcorp
Classification: Uncertain significance for Hereditary cancer-predisposing syndrome. Last evaluated: 2024-06-04. Review status: criteria provided, single submitter. Criteria: Invitae Variant Classification Sherloc (09022015). Collection method: clinical testing. Allele origin: germline.
Comment: This sequence change replaces arginine, which is basic and polar, with glutamine, which is neutral and polar, at codon 656 of the RAD50 protein (p.Arg656Gln). This variant is not present in population databases (gnomAD no frequency). This variant has not been reported in the literature in individuals affected with RAD50-related conditions. ClinVar contains an entry for this variant (Variation ID: 186977). An algorithm developed to predict the effect of missense changes on protein structure and function (PolyPhen-2) suggests that this variant is likely to be disruptive. In summary, the available evidence is currently insufficient to determine the role of this variant in disease. Therefore, it has been classified as a Variant of Uncertain Significance.

Ambry Genetics
Classification: Uncertain significance for Hereditary cancer-predisposing syndrome. Last evaluated: 2023-08-11. Review status: criteria provided, single submitter. Criteria: Ambry Variant Classification Scheme 2023. Collection method: clinical testing. Allele origin: germline.
Comment: The p.R656Q variant (also known as c.1967G>A), located in coding exon 12 of the RAD50 gene, results from a G to A substitution at nucleotide position 1967. The arginine at codon 656 is replaced by glutamine, an amino acid with highly similar properties. This amino acid position is highly conserved in available vertebrate species. In addition, the in silico prediction for this alteration is inconclusive. Since supporting evidence is limited at this time, the clinical significance of this alteration remains unclear.